The following is an entry in ClinVar:

ClinVar aggregate classification (germline): Pathogenic/Likely pathogenic. Review status: criteria provided, multiple submitters, no conflicts (2 of 4 stars). 2 submissions from 2 submitters: Pathogenic (1); Likely pathogenic (1). Last evaluated 2025-12-31.

Conditions:
Spondyloenchondrodysplasia with immune dysregulation (SPENCDI). Also called: ROIFMAN IMMUNOSKELETAL SYNDROME; SPONDYLOENCHONDRODYSPLASIA WITH OR WITHOUT IMMUNE DYSREGULATION; COMBINED IMMUNODEFICIENCY WITH AUTOIMMUNITY AND SPONDYLOMETAPHYSEAL DYSPLASIA. Identifiers: Orphanet 1855, MedGen C1842763, MONDO:0011939, OMIM 607944.

Allele frequency attached by ClinVar (database versions not stated): ExAC 0.00001; gnomAD 0.00001; gnomAD exomes 0.00001; TOPMed 0.00003.

Submissions (2):

Labcorp Genetics (formerly Invitae), Labcorp
Classification: Pathogenic for Spondyloenchondrodysplasia with immune dysregulation. Last evaluated: 2025-12-31. Review status: criteria provided, single submitter. Criteria: Invitae Variant Classification Sherloc (09022015). Collection method: clinical testing. Allele origin: germline.
Comment: This sequence change creates a premature translational stop signal (p.Tyr246*) in the ACP5 gene. While this is not anticipated to result in nonsense mediated decay, it is expected to disrupt the last 80 amino acid(s) of the ACP5 protein. This variant is present in population databases (rs761798208, gnomAD 0.009%). This variant has not been reported in the literature in individuals affected with ACP5-related conditions. ClinVar contains an entry for this variant (Variation ID: 533474). This variant disrupts a region of the ACP5 protein in which other variant(s) (p.Ser267*) have been determined to be pathogenic (PMID: 21217752). This suggests that this is a clinically significant region of the protein, and that variants that disrupt it are likely to be disease-causing. For these reasons, this variant has been classified as Pathogenic.

GeneDx
Classification: Likely pathogenic. Last evaluated: 2023-05-15. Review status: criteria provided, single submitter. Criteria: GeneDx Variant Classification Process June 2021. Collection method: clinical testing. Allele origin: germline. Affected: yes.
Comment: Nonsense variant predicted to result in protein truncation, as the last 80 amino acids are lost, and other loss-of-function variants have been reported downstream in HGMD; Has not been previously published as pathogenic or benign to our knowledge

Literature cited by the submitters: PubMed 21217752 (cited by Labcorp Genetics (formerly Invitae), Labcorp).

NM_001611.5(ACP5):c.738C>A (p.Tyr246Ter)

Gene: ACP5 (acid phosphatase 5, tartrate resistant; minus strand). Cytogenetic location: 19p13.2.
Variant type: single nucleotide variant.
Coding change: c.738C>A on transcript NM_001611.5 (MANE Select); coding-DNA position 738, C replaced by A.
Protein change: p.Tyr246Ter; replaces tyrosine 246 with a stop codon.
Molecular consequence: nonsense.
Genome position (GRCh38, 1-based): chr19:11,575,250, G>T on the plus strand (C>A on the coding strand, the complement: ACP5 is on the minus strand). VCF-style: chr19-11575250-G-T. GRCh37 (hg19) VCF-style: chr19-11686065-G-T.
Other names: c.738C>A, p.Tyr246Ter (LRG_1218t1, NM_001111034.3, NM_001111035.3 and 2 more transcripts); short protein forms Y246*.
Identifiers: ClinVar variation 533474 (VCV000533474.14), dbSNP rs761798208, ClinGen allele CA9215330.